The following is an entry in ClinVar:

ClinVar aggregate classification (germline): Uncertain significance (1 of 4 stars; one submission).

gnomAD v4.1: 16 of 1,613,824 alleles (0.00099%); highest among the groups gnomAD compares: South Asian, 0.0066%; 1 homozygote.

Submission:

Labcorp Genetics (formerly Invitae), Labcorp
Classification: Uncertain significance. Last evaluated: 2024-08-11. Review status: criteria provided, single submitter. Criteria: Invitae Variant Classification Sherloc (09022015). Collection method: clinical testing. Allele origin: germline.
Comment: This sequence change replaces arginine, which is basic and polar, with tryptophan, which is neutral and slightly polar, at codon 275 of the RELB protein (p.Arg275Trp). This variant is present in population databases (rs747326911, gnomAD 0.003%). This variant has not been reported in the literature in individuals affected with RELB-related conditions. An algorithm developed to predict the effect of missense changes on protein structure and function (PolyPhen-2) suggests that this variant is likely to be disruptive. In summary, the available evidence is currently insufficient to determine the role of this variant in disease. Therefore, it has been classified as a Variant of Uncertain Significance.

NM_006509.4(RELB):c.823C>T (p.Arg275Trp)

Gene: RELB (RELB proto-oncogene, NF-kB subunit; plus strand). Cytogenetic location: 19q13.32.
Variant type: single nucleotide variant.
Coding change: c.823C>T on transcript NM_006509.4 (MANE Select); coding-DNA position 823, C replaced by T.
Protein change: p.Arg275Trp; replaces arginine 275 with tryptophan.
Molecular consequence: missense variant.
Genome position (GRCh38, 1-based): chr19:45,025,674, C>T. VCF-style: chr19-45025674-C-T. GRCh37 (hg19) VCF-style: chr19-45528932-C-T.
Other names: c.814C>T, p.Arg272Trp (NM_001411087.1); short protein forms R272W, R275W.
Identifiers: ClinVar variation 3604657 (VCV003604657.2).
Genomic context (GRCh38, chr19:45,025,674, plus strand): 5'-CTGAAGAACCATCAGGAAGTAGACATGAATGTGGTGAGGATCTGCTTCCAGGCCTCATAT[C>T]GGGACCAGCAGGGACAGATGCGCCGGATGGATCCTGTGCTTTCCGAGCCCGTCTATGACA-3'
Protein context (NP_006500.2, residues 265-285): VVRICFQASY[Arg275Trp]DQQGQMRRMD